The following is an entry in ClinVar:

NM_001385125.1(OPN1SW):c.250T>C (p.Ser84Pro)

Gene: OPN1SW (opsin 1, short wave sensitive; minus strand). Cytogenetic location: 7q32.1.
Variant type: single nucleotide variant.
Coding change: c.250T>C on transcript NM_001385125.1 (MANE Select); coding-DNA position 250, T replaced by C.
Protein change: p.Ser84Pro; replaces serine 84 with proline.
Molecular consequence: missense variant.
Genome position (GRCh38, 1-based): chr7:128,775,532, A>G on the plus strand (T>C on the coding strand, the complement: OPN1SW is on the minus strand). VCF-style: chr7-128775532-A-G. GRCh37 (hg19) VCF-style: chr7-128415586-A-G.
Other names: short protein forms S84P.
Identifiers: ClinVar variation 1993617 (VCV001993617.4), dbSNP rs1801743863, ClinGen allele CA369221812.
Genomic context (GRCh38, chr7:128,775,532, plus strand): 5'-AAACATGGCGACCGAAGACGAAGTATCCGTTACAGCTGGCGACGAAGACAGGGAAGACAG[A>G]GAAGATGCAGAGGAGGAAGCCTCCGAAGGACACGTTGACCAGAATGTAGTTGAGGGGCTG-3'
Protein context (NP_001372054.1, residues 74-94): SFGGFLLCIF[Ser84Pro]VFPVFVASCN

ClinVar aggregate classification (germline): Uncertain significance (1 of 4 stars; one submission).

Allele frequency attached by ClinVar (database versions not stated): gnomAD exomes below 0.00001; TOPMed below 0.00001.
gnomAD v4.1: 1 of 1,614,098 alleles (0.000062%); highest among the groups gnomAD compares: Non-Finnish European, 0.000085%; no homozygotes.

Submission:

Labcorp Genetics (formerly Invitae), Labcorp
Classification: Uncertain significance. Last evaluated: 2024-01-20. Review status: criteria provided, single submitter. Criteria: Invitae Variant Classification Sherloc (09022015). Collection method: clinical testing. Allele origin: germline.
Comment: This sequence change replaces serine, which is neutral and polar, with proline, which is neutral and non-polar, at codon 87 of the OPN1SW protein (p.Ser87Pro). This variant is not present in population databases (gnomAD no frequency). This variant has not been reported in the literature in individuals affected with OPN1SW-related conditions. ClinVar contains an entry for this variant (Variation ID: 1993617). An algorithm developed to predict the effect of missense changes on protein structure and function (PolyPhen-2) suggests that this variant is likely to be disruptive. In summary, the available evidence is currently insufficient to determine the role of this variant in disease. Therefore, it has been classified as a Variant of Uncertain Significance.